The following is an entry in ClinVar:

ClinVar aggregate classification (germline): Uncertain significance (1 of 4 stars; one submission).

Submission:

Labcorp Genetics (formerly Invitae), Labcorp
Classification: Uncertain significance. Last evaluated: 2024-07-12. Review status: criteria provided, single submitter. Criteria: Invitae Variant Classification Sherloc (09022015). Collection method: clinical testing. Allele origin: germline.
Comment: This sequence change replaces glycine, which is neutral and non-polar, with serine, which is neutral and polar, at codon 41 of the PSMB4 protein (p.Gly41Ser). This variant is not present in population databases (gnomAD no frequency). This variant has not been reported in the literature in individuals affected with PSMB4-related conditions. An algorithm developed to predict the effect of missense changes on protein structure and function outputs the following: PolyPhen-2: "Benign". The serine amino acid residue is found in multiple mammalian species, which suggests that this missense change does not adversely affect protein function. In summary, the available evidence is currently insufficient to determine the role of this variant in disease. Therefore, it has been classified as a Variant of Uncertain Significance.

NM_002796.3(PSMB4):c.121G>A (p.Gly41Ser)

Gene: PSMB4 (proteasome 20S subunit beta 4; plus strand). Cytogenetic location: 1q21.3.
Variant type: single nucleotide variant.
Coding change: c.121G>A on transcript NM_002796.3 (MANE Select); coding-DNA position 121, G replaced by A.
Protein change: p.Gly41Ser; replaces glycine 41 with serine.
Molecular consequence: missense variant.
Genome position (GRCh38, 1-based): chr1:151,399,708, G>A. VCF-style: chr1-151399708-G-A. GRCh37 (hg19) VCF-style: chr1-151372184-G-A.
Other names: short protein forms G41S.
Identifiers: ClinVar variation 3669039 (VCV003669039.2).